The following is an entry in ClinVar:

NM_015100.4(POGZ):c.2641A>G (p.Thr881Ala)

Gene: POGZ (pogo transposable element derived with ZNF domain; minus strand). Cytogenetic location: 1q21.3.
Variant type: single nucleotide variant.
Coding change: c.2641A>G on transcript NM_015100.4 (MANE Select); coding-DNA position 2641, A replaced by G.
Protein change: p.Thr881Ala; replaces threonine 881 with alanine.
Molecular consequence: missense variant.
Genome position (GRCh38, 1-based): chr1:151,406,394, T>C on the plus strand (A>G on the coding strand, the complement: POGZ is on the minus strand). VCF-style: chr1-151406394-T-C. GRCh37 (hg19) VCF-style: chr1-151378870-T-C.
Other names: c.2614A>G, p.Thr872Ala (NM_001194937.2); c.2455A>G, p.Thr819Ala (NM_001194938.2); c.2662A>G, p.Thr888Ala (NM_001410860.1); c.2356A>G, p.Thr786Ala (NM_145796.4); c.2482A>G, p.Thr828Ala (NM_207171.2); short protein forms T786A, T819A, T828A, T872A, T881A, T888A.
Identifiers: ClinVar variation 3360872 (VCV003360872.1).

ClinVar aggregate classification (germline): Uncertain significance (1 of 4 stars; one submission).

gnomAD v4.1: 6 of 1,574,440 alleles (0.00038%); highest among the groups gnomAD compares: Non-Finnish European, 0.00043%; no homozygotes.

Submission:

GeneDx
Classification: Uncertain significance. Last evaluated: 2023-07-06. Review status: criteria provided, single submitter. Criteria: GeneDx Variant Classification Process June 2021. Collection method: clinical testing. Allele origin: germline. Affected: yes.
Comment: Not observed at significant frequency in large population cohorts (gnomAD); In silico analysis supports that this missense variant does not alter protein structure/function; Has not been previously published as pathogenic or benign to our knowledge